The following is an entry in ClinVar:

ClinVar aggregate classification (germline): Likely benign (1 of 4 stars; one submission).

Allele frequency attached by ClinVar (database versions not stated): gnomAD exomes below 0.00001.
gnomAD v4.1: 6 of 1,613,974 alleles (0.00037%); highest among the groups gnomAD compares: East Asian, 0.0022%; no homozygotes.

Submission:

CeGaT Center for Human Genetics Tuebingen
Classification: Likely benign. Last evaluated: 2022-07-01. Review status: criteria provided, single submitter. Criteria: CeGaT Center For Human Genetics Tuebingen Variant Classification Criteria Version 2. Collection method: clinical testing. Allele origin: germline. Affected: yes. Observed: 1 variant allele.
Comment: PKDREJ: PM2:Supporting, BP4, BP7

NM_006071.2(PKDREJ):c.6258C>T (p.Leu2086=)

Gene: PKDREJ (polycystin family receptor for egg jelly; minus strand). Cytogenetic location: 22q13.31.
Variant type: single nucleotide variant.
Coding change: c.6258C>T on transcript NM_006071.2 (MANE Select); coding-DNA position 6258, C replaced by T.
Protein change: p.Leu2086=; no amino-acid change (leucine 2086 retained).
Molecular consequence: synonymous variant.
Genome position (GRCh38, 1-based): chr22:46,257,065, G>A on the plus strand (C>T on the coding strand, the complement: PKDREJ is on the minus strand). VCF-style: chr22-46257065-G-A. GRCh37 (hg19) VCF-style: chr22-46652962-G-A.
Identifiers: ClinVar variation 2653298 (VCV002653298.24), dbSNP rs2147773446, ClinGen allele CA515093769.